The following is an entry in ClinVar:

ClinVar aggregate classification (germline): Uncertain significance (1 of 4 stars; one submission).

Conditions:
Giant axonal neuropathy 1 (GAN1). Also called: GIANT AXONAL NEUROPATHY 1, AUTOSOMAL RECESSIVE; GAN-Related Neurodegeneration. Identifiers: Orphanet 643, MedGen C1850386, MONDO:0009749, OMIM 256850.

Submission:

Labcorp Genetics (formerly Invitae), Labcorp
Classification: Uncertain significance for Giant axonal neuropathy 1. Last evaluated: 2024-07-31. Review status: criteria provided, single submitter. Criteria: Invitae Variant Classification Sherloc (09022015). Collection method: clinical testing. Allele origin: germline.
Comment: This sequence change replaces arginine, which is basic and polar, with threonine, which is neutral and polar, at codon 56 of the GAN protein (p.Arg56Thr). This variant also falls at the last nucleotide of exon 1, which is part of the consensus splice site for this exon. This variant is not present in population databases (gnomAD no frequency). This variant has not been reported in the literature in individuals affected with GAN-related conditions. An algorithm developed to predict the effect of missense changes on protein structure and function (PolyPhen-2) suggests that this variant is likely to be disruptive. Variants that disrupt the consensus splice site are a relatively common cause of aberrant splicing (PMID: 17576681, 9536098). Algorithms developed to predict the effect of sequence changes on RNA splicing suggest that this variant may disrupt the consensus splice site. In summary, the available evidence is currently insufficient to determine the role of this variant in disease. Therefore, it has been classified as a Variant of Uncertain Significance.

Literature cited by the submitters: PubMed 17576681; PubMed 9536098.

NM_022041.4(GAN):c.167G>C (p.Arg56Thr)

Genes: GAN (gigaxonin; plus strand), LOC130059498 (ATAC-STARR-seq lymphoblastoid silent region 7753; plus strand). Cytogenetic location: 16q23.2.
Variant type: single nucleotide variant.
Coding change: c.167G>C on transcript NM_022041.4 (MANE Select); coding-DNA position 167, G replaced by C.
Protein change: p.Arg56Thr; replaces arginine 56 with threonine.
Molecular consequence: missense variant. On other transcripts: 5 prime UTR variant (1).
Genome position (GRCh38, 1-based): chr16:81,315,280, G>C. VCF-style: chr16-81315280-G-C. GRCh37 (hg19) VCF-style: chr16-81348885-G-C.
Other names: c.-358G>C (NM_001377486.1); short protein forms R56T.
Identifiers: ClinVar variation 3688490 (VCV003688490.2).